The following is an entry in ClinVar:

NM_000059.4(BRCA2):c.1041dup (p.Val348fs)

Gene: BRCA2 (BRCA2 DNA repair associated; plus strand). Cytogenetic location: 13q13.1.
Variant type: Duplication.
Coding change: c.1041dup on transcript NM_000059.4 (MANE Select); coding-DNA position 1041, one base duplicated (A; older notation c.1041dupA).
Protein change: p.Val348fs; shifts the reading frame from valine 348.
Molecular consequence: frameshift variant.
Genome position (GRCh38, 1-based): chr13:32,332,519, A duplicated; the last of 2 consecutive A bases (chr13:32,332,518-32,332,519); duplicating either gives the same sequence. VCF-style (leftmost placement, unchanged base first): chr13-32332517-C-CA. GRCh37 (hg19) VCF-style: chr13-32906654-C-CA.
Other names: c.1041dup, p.Val348Serfs (NM_001406719.1, NM_001406720.1, NM_001406721.1); c.1041dupA (NM_000059.3); short protein forms V348fs.
Identifiers: ClinVar variation 1774260 (VCV001774260.2), dbSNP rs1566222651, ClinGen allele CA2580087209.
Genomic context (GRCh38, chr13:32,332,517, plus strand): 5'-AAGACTAGGAAAAAAATTTTCCATGAAGCAAACGCTGATGAATGTGAAAAATCTAAAAAC[C>CA]AAGTGAAAGAAAAATACTCATTTGTATCTGAAGTGGAACCAAATGATACTGATCCATTAG-3'

ClinVar aggregate classification (germline): Pathogenic (1 of 4 stars; one submission).

Conditions:
Hereditary cancer-predisposing syndrome. Also called: Hereditary Cancer Syndrome; Hereditary neoplastic syndrome; Neoplastic Syndromes, Hereditary; Tumor predisposition. Identifiers: Orphanet 140162, MedGen C0027672, MeSH D009386, MONDO:0015356.

Submission:

Ambry Genetics
Classification: Pathogenic for Hereditary cancer-predisposing syndrome. Last evaluated: 2021-06-04. Review status: criteria provided, single submitter. Criteria: Ambry Variant Classification Scheme 2023. Collection method: clinical testing. Allele origin: germline.
Comment: The c.1041dupA pathogenic mutation, located in coding exon 9 of the BRCA2 gene, results from a duplication of A at nucleotide position 1041, causing a translational frameshift with a predicted alternate stop codon (p.V348Sfs*10). This alteration is expected to result in loss of function by premature protein truncation or nonsense-mediated mRNA decay. As such, this alteration is interpreted as a disease-causing mutation.